The following is an entry in ClinVar:

ClinVar aggregate classification (germline): Uncertain significance (1 of 4 stars; one submission).

Conditions:
Cardiovascular phenotype. Identifiers: MedGen CN230736.

Allele frequency attached by ClinVar (database versions not stated): TOPMed below 0.00001.

Submission:

Ambry Genetics
Classification: Uncertain significance for Cardiovascular phenotype. Last evaluated: 2023-12-10. Review status: criteria provided, single submitter. Criteria: Ambry Variant Classification Scheme 2023. Collection method: clinical testing. Allele origin: germline.
Comment: The p.M1435L variant (also known as c.4303A>C), located in coding exon 25 of the SCN10A gene, results from an A to C substitution at nucleotide position 4303. The methionine at codon 1435 is replaced by leucine, an amino acid with highly similar properties. This amino acid position is highly conserved in available vertebrate species. In addition, this alteration is predicted to be deleterious by in silico analysis. Since supporting evidence is limited at this time, the clinical significance of this alteration remains unclear.

NM_006514.4(SCN10A):c.4303A>C (p.Met1435Leu)

Gene: SCN10A (sodium voltage-gated channel alpha subunit 10; minus strand). Cytogenetic location: 3p22.2.
Variant type: single nucleotide variant.
Coding change: c.4303A>C on transcript NM_006514.4 (MANE Select); coding-DNA position 4303, A replaced by C.
Protein change: p.Met1435Leu; replaces methionine 1435 with leucine.
Molecular consequence: missense variant.
Genome position (GRCh38, 1-based): chr3:38,707,362, T>G on the plus strand (A>C on the coding strand, the complement: SCN10A is on the minus strand). VCF-style: chr3-38707362-T-G. GRCh37 (hg19) VCF-style: chr3-38748853-T-G.
Other names: c.4300A>C, p.Met1434Leu (NM_001293306.2); c.4009A>C, p.Met1337Leu (NM_001293307.2); short protein forms M1434L, M1337L, M1435L.
Identifiers: ClinVar variation 1739571 (VCV001739571.2), dbSNP rs767179565, ClinGen allele CA352148723.